The following is an entry in ClinVar:

ClinVar aggregate classification (germline): Uncertain significance (1 of 4 stars; one submission).

Conditions:
Tuberous sclerosis 2 (TSC2). Identifiers: Orphanet 805, MedGen C1860707, MONDO:0013199, OMIM 613254.

Submission:

Labcorp Genetics (formerly Invitae), Labcorp
Classification: Uncertain significance for Tuberous sclerosis 2. Last evaluated: 2024-11-02. Review status: criteria provided, single submitter. Criteria: Invitae Variant Classification Sherloc (09022015). Collection method: clinical testing. Allele origin: germline.
Comment: This sequence change replaces alanine, which is neutral and non-polar, with proline, which is neutral and non-polar, at codon 1546 of the TSC2 protein (p.Ala1546Pro). This variant is not present in population databases (gnomAD no frequency). This variant has not been reported in the literature in individuals affected with TSC2-related conditions. Invitae Evidence Modeling of protein sequence and biophysical properties (such as structural, functional, and spatial information, amino acid conservation, physicochemical variation, residue mobility, and thermodynamic stability) indicates that this missense variant is not expected to disrupt TSC2 protein function with a negative predictive value of 95%. In summary, the available evidence is currently insufficient to determine the role of this variant in disease. Therefore, it has been classified as a Variant of Uncertain Significance.

NM_000548.5(TSC2):c.4636G>C (p.Ala1546Pro)

Gene: TSC2 (TSC complex subunit 2; plus strand). Cytogenetic location: 16p13.3.
Variant type: single nucleotide variant.
Coding change: c.4636G>C on transcript NM_000548.5 (MANE Select); coding-DNA position 4636, G replaced by C.
Protein change: p.Ala1546Pro; replaces alanine 1546 with proline.
Molecular consequence: missense variant. On other transcripts: non-coding transcript variant (5).
Genome position (GRCh38, 1-based): chr16:2,085,296, G>C. VCF-style: chr16-2085296-G-C. GRCh37 (hg19) VCF-style: chr16-2135297-G-C.
Other names: c.4456G>C, p.Ala1486Pro (NM_001406670.1); c.4426G>C, p.Ala1476Pro (NM_001406671.1); c.4423G>C, p.Ala1475Pro (NM_001406673.1); c.4420G>C, p.Ala1474Pro (NM_001406675.1); c.4417G>C, p.Ala1473Pro (NM_001406676.1); c.4378G>C, p.Ala1460Pro (NM_001406677.1); c.4324G>C, p.Ala1442Pro (NM_001406678.1); c.4288G>C, p.Ala1430Pro (NM_001406679.1); and 26 more; short protein forms A1032P, A1054P, A1075P, A1323P, A1460P, A1473P, A1479P, A1480P.
Identifiers: ClinVar variation 3637242 (VCV003637242.2).
Genomic context (GRCh38, chr16:2,085,296, plus strand): 5'-TCCTTTGAGCGGTCGGTGCAGCTCCTCGACCAGATCCCATCATACGACACCCACAAGATC[G>C]CCGTCCTGTATGTTGGAGAAGGCCAGGTGAGGCTGCGGGGCCGGCCTAGGTGCCTGGACA-3'
Protein context (NP_000539.2, residues 1536-1556): QIPSYDTHKI[Ala1546Pro]VLYVGEGQSN